The following is an entry in ClinVar:

NM_032119.4(ADGRV1):c.7292C>T (p.Ala2431Val)

Gene: ADGRV1 (adhesion G protein-coupled receptor V1; plus strand). Cytogenetic location: 5q14.3.
Variant type: single nucleotide variant.
Coding change: c.7292C>T on transcript NM_032119.4 (MANE Select); coding-DNA position 7292, C replaced by T.
Protein change: p.Ala2431Val; replaces alanine 2431 with valine.
Molecular consequence: missense variant. On other transcripts: non-coding transcript variant (1).
Genome position (GRCh38, 1-based): chr5:90,694,048, C>T. VCF-style: chr5-90694048-C-T. GRCh37 (hg19) VCF-style: chr5-89989865-C-T.
Other names: short protein forms A2431V.
Identifiers: ClinVar variation 1488844 (VCV001488844.8), dbSNP rs771639794, ClinGen allele CA360375871.
Genomic context (GRCh38, chr5:90,694,048, plus strand): 5'-ATGAATCTCCAATTCAAGGGGTGCCTGACCCACTTTGGAGAACTTGGATGAATGTCTCTG[C>T]CGTGGGGGAGCCCCTGTATACCTGTGCCACTTTGTGCCTTAAGGAACAAGCTTGCTCAGC-3'
Protein context (NP_115495.3, residues 2421-2441): PLWRTWMNVS[Ala2431Val]VGEPLYTCAT

ClinVar aggregate classification (germline): Uncertain significance (1 of 4 stars; one submission).

Submission:

Labcorp Genetics (formerly Invitae), Labcorp
Classification: Uncertain significance. Last evaluated: 2021-07-04. Review status: criteria provided, single submitter. Criteria: Invitae Variant Classification Sherloc (09022015). Collection method: clinical testing. Allele origin: germline.
Comment: This sequence change replaces alanine with valine at codon 2431 of the ADGRV1 protein (p.Ala2431Val). The alanine residue is moderately conserved and there is a small physicochemical difference between alanine and valine. This variant is not present in population databases (ExAC no frequency). This variant has not been reported in the literature in individuals affected with ADGRV1-related conditions. Algorithms developed to predict the effect of missense changes on protein structure and function output the following: SIFT: "Tolerated"; PolyPhen-2: "Benign"; Align-GVGD: "Class C0". The valine amino acid residue is found in multiple mammalian species, which suggests that this missense change does not adversely affect protein function. In summary, the available evidence is currently insufficient to determine the role of this variant in disease. Therefore, it has been classified as a Variant of Uncertain Significance.